The following is an entry in ClinVar:

NC_000002.12:g.(?_50528605)_(50553045_?)del

Gene: NRXN1 (neurexin 1; minus strand). Cytogenetic location: 2p16.3.
Variant type: Deletion.
Identifiers: ClinVar variation 584283 (VCV000584283.3).

ClinVar aggregate classification (germline): Pathogenic (1 of 4 stars; one submission).

Conditions:
Pitt-Hopkins-like syndrome 2 (PTHSL2). Identifiers: Orphanet 221150, Orphanet 600663, MedGen C3280479, MONDO:0013690, OMIM 614325.

Submission:

Labcorp Genetics (formerly Invitae), Labcorp
Classification: Pathogenic for Pitt-Hopkins-like syndrome 2. Last evaluated: 2018-04-10. Review status: criteria provided, single submitter. Criteria: Invitae Variant Classification Sherloc (09022015). Collection method: clinical testing. Allele origin: germline.
Comment: This variant is an out-of-frame deletion of the genomic region encompassing exons 10-13 of the NRXN1 gene. This is expected to create a premature translational stop signal and result in an absent or disrupted protein product. This variant has not been reported in the literature in individuals with NRXN1-related disease. Loss-of-function variants in NRXN1 are known to be pathogenic (PMID: 19896112, 21964664, 25149956). For these reasons, this variant has been classified as Pathogenic.

Literature cited by the submitters: PubMed 19896112; PubMed 21964664; PubMed 25149956.